The following is an entry in ClinVar:

ClinVar aggregate classification (germline): Uncertain significance (1 of 4 stars; one submission).

Conditions:
Multiple endocrine neoplasia type 2A. Also called: Multiple Endocrine Neoplasia Type 2A (MEN2A); MULTIPLE ENDOCRINE NEOPLASIA, TYPE IIA; PTC SYNDROME; SIPPLE SYNDROME; MEN 2A; MEN-2A syndrome. Identifiers: Orphanet 247698, Orphanet 653, MedGen C0025268, MeSH D018813, MONDO:0008234, OMIM 171400.

Submission:

Women's Health and Genetics/Laboratory Corporation of America, LabCorp
Classification: Uncertain significance for Multiple Endocrine Neoplasia Type 2. Last evaluated: 2011-08-18. Review status: criteria provided, single submitter. Criteria: LabCorp Variant Classification Summary - May 2015. Collection method: curation, clinical testing. Allele origin: germline. Inheritance: autosomal unknown. Affected: yes.
ClinVar note: Converted during submission from uncertain to Uncertain significance.

NM_020975.6(RET):c.1264-55dup

Gene: RET (ret proto-oncogene; plus strand). Cytogenetic location: 10q11.21.
Variant type: Duplication.
Coding change: c.1264-55dup on transcript NM_020975.6 (MANE Select); 55 bases into the intron before coding-DNA position 1264, one base duplicated (G; older notation c.1264-55dupG).
Molecular consequence: intron variant.
Genome position (GRCh38, 1-based): chr10:43,111,152, G duplicated; the last of 2 consecutive G bases (chr10:43,111,151-43,111,152); duplicating either gives the same sequence. VCF-style (leftmost placement, unchanged base first): chr10-43111150-A-AG. GRCh37 (hg19) VCF-style: chr10-43606598-A-AG.
Other names: c.1264-55dupG (NM_020630.4); c.1264-55dup (NM_020630.7, NM_001406743.1, NM_001406744.1 and 4 more transcripts); c.868-55dup (NM_001406772.1, NM_001406769.1); c.826-55dup (NM_001406773.1, NM_001406771.1); c.626-947dup (NM_001406782.1, NM_001406780.1, NM_001406779.1 and 3 more transcripts); c.1135-55dup (NM_001406764.1, NM_001406762.1, NM_001406761.1 and 1 more transcripts); c.739-55dup (NM_001406774.1); c.497-947dup (NM_001406786.1, NM_001406783.1); and 6 more.
Identifiers: ClinVar variation 36722 (VCV000036722.5), dbSNP rs193922698, ClinGen allele CA007498.
Genomic context (GRCh38, chr10:43,111,150, plus strand): 5'-GTCTCCAGGCCCAGTTGGGGGCTGTTCCAGGACTTAGGCTGTGTGGGAATCTCTACCCTC[A>AG]GGCCATTACAGGCCGGTCCAGCTGCCTGGCTAAGGTGTTCCCCTGTGCCCCCCTAGATCG-3'